The following is an entry in ClinVar:

ClinVar aggregate classification (germline): Uncertain significance (1 of 4 stars; one submission).

gnomAD v4.1: 4 of 1,600,534 alleles (0.00025%); highest among the groups gnomAD compares: Non-Finnish European, 0.00034%; no homozygotes.

Submission:

GeneDx
Classification: Uncertain significance. Last evaluated: 2025-05-19. Review status: criteria provided, single submitter. Criteria: GeneDx Variant Classification Process June 2021. Collection method: clinical testing. Allele origin: germline. Affected: yes.
Comment: Not observed at significant frequency in large population cohorts (gnomAD); In silico analysis supports that this missense variant has a deleterious effect on protein structure/function; Has not been previously published as pathogenic or benign to our knowledge

NM_004380.3(CREBBP):c.5698C>G (p.Pro1900Ala)

Gene: CREBBP (CREB binding lysine acetyltransferase; minus strand). Cytogenetic location: 16p13.3.
Variant type: single nucleotide variant.
Coding change: c.5698C>G on transcript NM_004380.3 (MANE Select); coding-DNA position 5698, C replaced by G.
Protein change: p.Pro1900Ala; replaces proline 1900 with alanine.
Molecular consequence: missense variant.
Genome position (GRCh38, 1-based): chr16:3,729,349, G>C on the plus strand (C>G on the coding strand, the complement: CREBBP is on the minus strand). VCF-style: chr16-3729349-G-C. GRCh37 (hg19) VCF-style: chr16-3779350-G-C.
Other names: c.5584C>G, p.Pro1862Ala (NM_001079846.1); short protein forms P1862A, P1900A.
Identifiers: ClinVar variation 4531000 (VCV004531000.1).